The following is an entry in ClinVar:

NM_000059.4(BRCA2):c.6800C>T (p.Ser2267Leu)

Gene: BRCA2 (BRCA2 DNA repair associated; plus strand). Cytogenetic location: 13q13.1.
Variant type: single nucleotide variant.
Coding change: c.6800C>T on transcript NM_000059.4 (MANE Select); coding-DNA position 6800, C replaced by T.
Protein change: p.Ser2267Leu; replaces serine 2267 with leucine.
Molecular consequence: missense variant. On other transcripts: non-coding transcript variant (1), intron variant (2).
Genome position (GRCh38, 1-based): chr13:32,341,155, C>T. VCF-style: chr13-32341155-C-T. GRCh37 (hg19) VCF-style: chr13-32915292-C-T.
Other names: c.6800C>T, p.Ser2267Leu (NM_001406719.1, NM_001406720.1); c.1910-3403C>T (NM_001406721.1); c.425-3403C>T (NM_001406722.1); short protein forms S2267L.
Identifiers: ClinVar variation 3261566 (VCV003261566.1).
Genomic context (GRCh38, chr13:32,341,155, plus strand): 5'-GTCATGCCACACATTCTCTTTTTACATGTCCCGAAAATGAGGAAATGGTTTTGTCAAATT[C>T]AAGAATTGGAAAAAGAAGAGGAGAGCCCCTTATCTTAGTGGGTAAGTGTTCATTTTTACC-3'
Protein context (NP_000050.3, residues 2257-2277): PENEEMVLSN[Ser2267Leu]RIGKRRGEPL

ClinVar aggregate classification (germline): Uncertain significance (1 of 4 stars; one submission).

Conditions:
Hereditary cancer-predisposing syndrome. Also called: Hereditary Cancer Syndrome; Tumor predisposition; Hereditary neoplastic syndrome; Neoplastic Syndromes, Hereditary. Identifiers: Orphanet 140162, MedGen C0027672, MeSH D009386, MONDO:0015356.

Submission:

Ambry Genetics
Classification: Uncertain significance for Hereditary cancer-predisposing syndrome. Last evaluated: 2024-04-08. Review status: criteria provided, single submitter. Criteria: Ambry Variant Classification Scheme 2023. Collection method: clinical testing. Allele origin: germline.
Comment: The p.S2267L variant (also known as c.6800C>T), located in coding exon 10 of the BRCA2 gene, results from a C to T substitution at nucleotide position 6800. The serine at codon 2267 is replaced by leucine, an amino acid with dissimilar properties. This amino acid position is well conserved in available vertebrate species. In addition, the in silico prediction for this alteration is inconclusive. Based on the available evidence, the clinical significance of this variant remains unclear.